The following is an entry in ClinVar:

ClinVar aggregate classification (germline): Uncertain significance (1 of 4 stars; one submission).

Conditions:
Schinzel-Giedion syndrome (SGS). Identifiers: Orphanet 798, MedGen C0265227, MONDO:0010010, OMIM 269150.

Submission:

Victorian Clinical Genetics Services, Murdoch Childrens Research Institute
Classification: Uncertain significance for Schinzel-Giedion syndrome. Last evaluated: 2020-10-19. Review status: criteria provided, single submitter. Criteria: ACMG Guidelines, 2015. Collection method: clinical testing. Allele origin: germline. Inheritance: Autosomal dominant inheritance. Affected: yes.
Comment: Based on the classification scheme VCGS_Germline_v1.3.3, this variant is classified as 3C-VUS. Following criteria are met: 0103 - Loss of function and gain of function are known mechanisms of disease in this gene and are associated with autosomal dominant intellectual disability 29 (MIM#616078) and Schinzel-Giedion midface retraction syndrome (MIM#269150), respectively. The former is caused by premature termination variants, whereas the latter is caused by missense variants resulting in increased SETBP1 protein stability. (PMIDs: 28346496, 32460883, 25217958) (I) 0107 - This gene is associated with autosomal dominant disease. (I) 0200 - Variant is predicted to result in a missense amino acid change from lysine to glutamine. (I) 0251 - This variant is heterozygous. (I) 0301 - Variant is absent from gnomAD (both v2 and v3). (SP) 0309 - An alternative amino acid change at the same position has been observed in gnomAD (v3) (2 heterozygotes, 0 homozygotes). (I) 0503 - Missense variant consistently predicted to be tolerated by multiple in silico tools or not conserved in placental mammals with a minor amino acid change. (SB) 0604 - Variant is not located in an established domain, motif, hotspot or informative constraint region. (I) 0705 - No comparable missense variants have previous evidence for pathogenicity. (I) 0807 - This variant has no previous evidence of pathogenicity. (I) 0905 - No published segregation evidence has been identified for this variant. (I) 1007 - No published functional evidence has been identified for this variant. (I) 1208 - Inheritance information for this variant is not currently available in this individual. (I) Legend: (SP) - Supporting pathogenic, (I) - Information, (SB) - Supporting benign

Literature cited by the submitters: PubMed 25217958; PubMed 28346496; PubMed 32460883.

NM_015559.3(SETBP1):c.4666A>C (p.Lys1556Gln)

Gene: SETBP1 (SET binding protein 1; plus strand). Cytogenetic location: 18q12.3.
Variant type: single nucleotide variant.
Coding change: c.4666A>C on transcript NM_015559.3 (MANE Select); coding-DNA position 4666, A replaced by C.
Protein change: p.Lys1556Gln; replaces lysine 1556 with glutamine.
Molecular consequence: missense variant.
Genome position (GRCh38, 1-based): chr18:45,063,573, A>C. VCF-style: chr18-45063573-A-C. GRCh37 (hg19) VCF-style: chr18-42643538-A-C.
Other names: c.4666A>C, p.Lys1556Gln (NM_001379141.1, NM_001379142.1); c.4495A>C, p.Lys1499Gln (NM_001410862.1); short protein forms K1499Q, K1556Q.
Identifiers: ClinVar variation 1806083 (VCV001806083.1), dbSNP rs2511370937, ClinGen allele CA402483889.